The following is an entry in ClinVar:

NM_004187.5(KDM5C):c.788A>C (p.Glu263Ala)

Gene: KDM5C (lysine demethylase 5C; minus strand). Cytogenetic location: Xp11.22.
Variant type: single nucleotide variant.
Coding change: c.788A>C on transcript NM_004187.5 (MANE Select); coding-DNA position 788, A replaced by C.
Protein change: p.Glu263Ala; replaces glutamic acid 263 with alanine.
Molecular consequence: missense variant. On other transcripts: non-coding transcript variant (3).
Genome position (GRCh38, 1-based): chrX:53,215,970, T>G on the plus strand (A>C on the coding strand, the complement: KDM5C is on the minus strand). VCF-style: chrX-53215970-T-G. GRCh37 (hg19) VCF-style: chrX-53245152-T-G.
Other names: c.587A>C, p.Glu196Ala (NM_001146702.2); c.785A>C, p.Glu262Ala (NM_001282622.3, NM_001353979.2, NM_001353982.2); c.788A>C, p.Glu263Ala (NM_001353978.3, NM_001353981.2, NM_001353984.2); short protein forms E196A, E262A, E263A.
Identifiers: ClinVar variation 4686907 (VCV004686907.1).

ClinVar aggregate classification (germline): Uncertain significance (1 of 4 stars; one submission).

Submission:

GeneDx
Classification: Uncertain significance. Last evaluated: 2025-07-20. Review status: criteria provided, single submitter. Criteria: GeneDx Variant Classification Process June 2021. Collection method: clinical testing. Allele origin: germline. Affected: yes.
Comment: Not observed at significant frequency in large population cohorts (gnomAD); In silico analysis suggests that this missense variant does not alter protein structure/function; Has not been previously published as pathogenic or benign to our knowledge